The following is an entry in ClinVar:

ClinVar aggregate classification (germline): Pathogenic (1 of 4 stars; one submission).

Conditions:
Rubinstein-Taybi syndrome (RSTS). Identifiers: Orphanet 783, MedGen C0035934, MONDO:0019188.

Submission:

Laboratory for Molecular Medicine, Mass General Brigham Personalized Medicine
Classification: Pathogenic for Rubinstein-Taybi syndrome. Last evaluated: 2019-04-04. Review status: criteria provided, single submitter. Criteria: LMM Criteria. Collection method: clinical testing. Allele origin: germline. Inheritance: Autosomal dominant inheritance. Observed: 1 variant allele.
Comment: The p.Cys1005X variant in EP300 has not been previously reported in individuals with Rubenstein-Taybi syndrome 2 and is absent from large population studies. However, this variant was confirmed to be de novo in an individual with moderate intellectual disability, autism, corpus callosum hypoplasia, ventriculomegaly, low columella, and dental crowding by the Broad Institute Rare Genomes Project. This variant is predicted to cause a frameshift, which alters the proteinâ€™s amino acid sequence beginning at position 1005 and leads to a premature termination codon at this position. This alteration is then predicted to lead to absent protein. Heterozygous loss of function of the EP300 gene is an established disease mechanism in individuals with Rubenstein-Taybi syndrome 2. In summary, this variant meets criteria to be classified as pathogenic for Rubenstein-Taybi syndrome 2 in an autosomal dominant manner based upon de novo occurrence, its absence from the general population, and its predicted impact on the protein. ACMG/AMP Criteria applied: PVS1, PS2, PM2.

NM_001429.4(EP300):c.3014_3015del (p.Asp1004_Cys1005insTer)

Genes: EP300 (EP300 lysine acetyltransferase; plus strand), LOC126863158 (BRD4-independent group 4 enhancer GRCh37_chr22:41547383-41548582; plus strand). Cytogenetic location: 22q13.2.
Variant type: Deletion.
Coding change: c.3014_3015del on transcript NM_001429.4 (MANE Select); coding-DNA positions 3014 to 3015, 2 bases deleted (GT; older notation c.3014_3015delGT).
Protein change: p.Asp1004_Cys1005insTer.
Molecular consequence: nonsense.
Genome position (GRCh38, 1-based): chr22:41,152,222-41,152,223, GT deleted; deleting any 2 consecutive bases within chr22:41,152,221-41,152,223 gives the same sequence; the c. name uses the placement nearest the transcript's 3' end. VCF-style (leftmost placement, unchanged base first): chr22-41152220-CTG-C. GRCh37 (hg19) VCF-style: chr22-41548224-CTG-C.
Other names: c.2936_2937del, p.Asp978_Cys979insTer (NM_001362843.2).
Identifiers: ClinVar variation 930113 (VCV000930113.4), dbSNP rs2059050320, ClinGen allele CA1139667142.